The following is an entry in ClinVar:

NM_153033.5(KCTD7):c.323T>C (p.Leu108Pro)

Gene: KCTD7 (potassium channel tetramerization domain containing 7; plus strand). Cytogenetic location: 7q11.21.
Variant type: single nucleotide variant.
Coding change: c.323T>C on transcript NM_153033.5 (MANE Select); coding-DNA position 323, T replaced by C.
Protein change: p.Leu108Pro; replaces leucine 108 with proline.
Molecular consequence: missense variant.
Genome position (GRCh38, 1-based): chr7:66,638,261, T>C. VCF-style: chr7-66638261-T-C. GRCh37 (hg19) VCF-style: chr7-66103248-T-C.
Other names: c.323T>C, p.Leu108Pro (NM_001167961.2); short protein forms L108P.
Identifiers: ClinVar variation 5020001 (VCV005020001.2).
Genomic context (GRCh38, chr7:66,638,261, plus strand): 5'-CTGCCCAGGAGCATAAGCTCCTTGTCACCGACCCTCTTTCCTTCCTGCTTAGAGATGTGC[T>C]GAATTTCCTGCGCTCAGGGGACCTCCCACCCAGGGAGCGTGTTCGAGCTGTGTACAAAGA-3'
Protein context (NP_694578.1, residues 98-118): DRDGTHFGDV[Leu108Pro]NFLRSGDLPP

ClinVar aggregate classification (germline): Likely pathogenic (1 of 4 stars; one submission).

Conditions:
Progressive myoclonic epilepsy type 3. Also called: KCTD7-Related Progressive Myoclonic Epilepsy; EPILEPSY, PROGRESSIVE MYOCLONIC, 3, WITH OR WITHOUT INTRACELLULAR INCLUSIONS; CEROID LIPOFUSCINOSIS, NEURONAL, 14; EPILEPSY, PROGRESSIVE MYOCLONIC, 3, WITHOUT INTRACELLULAR INCLUSIONS. Identifiers: Orphanet 263516, MedGen C2673257, MONDO:0012721, OMIM 611726.

Submission:

Juno Genomics, Hangzhou Juno Genomics, Inc
Classification: Likely pathogenic for Progressive myoclonic epilepsy type 3. Review status: criteria provided, single submitter. Criteria: ACMG Guidelines, 2015. Collection method: clinical testing. Allele origin: germline.
Comment: Absent from controls (or at extremely low frequency if recessive) in Genome Aggregation Database.;Multiple lines of computational evidence support a deleterious effect on the gene or gene product.;Novel missense change at an amino acid residue where a different missense change determined to be pathogenic has been seen before.